The following is an entry in ClinVar:

NM_004946.3(DOCK2):c.5305G>A (p.Ala1769Thr)

Gene: DOCK2 (dedicator of cytokinesis 2; plus strand). Cytogenetic location: 5q35.1.
Variant type: single nucleotide variant.
Coding change: c.5305G>A on transcript NM_004946.3 (MANE Select); coding-DNA position 5305, G replaced by A.
Protein change: p.Ala1769Thr; replaces alanine 1769 with threonine.
Molecular consequence: missense variant. On other transcripts: non-coding transcript variant (1).
Genome position (GRCh38, 1-based): chr5:170,081,859, G>A. VCF-style: chr5-170081859-G-A. GRCh37 (hg19) VCF-style: chr5-169508863-G-A.
Other names: short protein forms A1769T.
Identifiers: ClinVar variation 1002734 (VCV001002734.8), dbSNP rs1758045075, ClinGen allele CA362118878.

ClinVar aggregate classification (germline): Uncertain significance (1 of 4 stars; one submission).

Conditions:
DOCK2 deficiency. Also called: Immunodeficiency 40. Identifiers: Orphanet 447737, MedGen C4225328, MONDO:0014637, OMIM 616433.

Submission:

Labcorp Genetics (formerly Invitae), Labcorp
Classification: Uncertain significance for DOCK2 deficiency. Last evaluated: 2020-08-14. Review status: criteria provided, single submitter. Criteria: Invitae Variant Classification Sherloc (09022015). Collection method: clinical testing. Allele origin: germline.
Comment: In summary, the available evidence is currently insufficient to determine the role of this variant in disease. Therefore, it has been classified as a Variant of Uncertain Significance. Algorithms developed to predict the effect of missense changes on protein structure and function (SIFT, PolyPhen-2, Align-GVGD) all suggest that this variant is likely to be tolerated, but these predictions have not been confirmed by published functional studies and their clinical significance is uncertain. This variant has not been reported in the literature in individuals with DOCK2-related conditions. This variant is not present in population databases (ExAC no frequency). This sequence change replaces alanine with threonine at codon 1769 of the DOCK2 protein (p.Ala1769Thr). The alanine residue is weakly conserved and there is a small physicochemical difference between alanine and threonine.